The following is an entry in ClinVar:

ClinVar aggregate classification (germline): Uncertain significance. Review status: criteria provided, multiple submitters, no conflicts (2 of 4 stars). 2 submissions from 2 submitters: Uncertain significance (2). Last evaluated 2026-04-22.

Conditions:
Inborn genetic diseases. Identifiers: MedGen C0950123, MeSH D030342.
Menkes kinky-hair syndrome (MNK). Also called: Copper transport disease; Menkes Disease; Classic Menkes Disease. Identifiers: Orphanet 565, MedGen C0022716, MONDO:0010651, OMIM 309400.
X-linked distal spinal muscular atrophy type 3. Also called: SPINAL MUSCULAR ATROPHY, DISTAL, X-LINKED RECESSIVE; ATP7A-Related Distal Motor Neuropathy; NEURONOPATHY, DISTAL HEREDITARY MOTOR, X-LINKED; NEUROPATHY, DISTAL HEREDITARY MOTOR, X-LINKED. Identifiers: Orphanet 139557, MedGen C1845359, MONDO:0010338, OMIM 300489.
Cutis laxa, X-linked (OHS). Also called: EDS IX; Occipital horn syndrome. Identifiers: Orphanet 198, MedGen C0268353, MONDO:0010572, OMIM 304150.

Allele frequency attached by ClinVar (database versions not stated): gnomAD exomes 0.00001; gnomAD 0.00002; TOPMed 0.00002.
gnomAD v4.1: 6 of 1,209,172 alleles (0.0005%); highest among the groups gnomAD compares: Non-Finnish European, 0.00067%; no homozygotes.

Submissions (2):

Ambry Genetics
Classification: Uncertain significance for Inborn genetic diseases. Last evaluated: 2026-04-22. Review status: criteria provided, single submitter. Criteria: Ambry Variant Classification Scheme 2023. Collection method: clinical testing. Allele origin: germline.

Labcorp Genetics (formerly Invitae), Labcorp
Classification: Uncertain significance for X-linked distal spinal muscular atrophy type 3; Cutis laxa, X-linked; Menkes kinky-hair syndrome. Last evaluated: 2025-12-16. Review status: criteria provided, single submitter. Criteria: Invitae Variant Classification Sherloc (09022015). Collection method: clinical testing. Allele origin: germline.
Comment: This sequence change replaces leucine, which is neutral and non-polar, with proline, which is neutral and non-polar, at codon 1173 of the ATP7A protein (p.Leu1173Pro). This variant is not present in population databases (gnomAD no frequency). This variant has not been reported in the literature in individuals affected with ATP7A-related conditions. ClinVar contains an entry for this variant (Variation ID: 2075849). Invitae Evidence Modeling of protein sequence and biophysical properties (such as structural, functional, and spatial information, amino acid conservation, physicochemical variation, residue mobility, and thermodynamic stability) indicates that this missense variant is not expected to disrupt ATP7A protein function with a negative predictive value of 95%. In summary, the available evidence is currently insufficient to determine the role of this variant in disease. Therefore, it has been classified as a Variant of Uncertain Significance.

NM_000052.7(ATP7A):c.3518T>C (p.Leu1173Pro)

Gene: ATP7A (ATPase copper transporting alpha; plus strand). Cytogenetic location: Xq21.1.
Variant type: single nucleotide variant.
Coding change: c.3518T>C on transcript NM_000052.7 (MANE Select); coding-DNA position 3518, T replaced by C.
Protein change: p.Leu1173Pro; replaces leucine 1173 with proline.
Molecular consequence: missense variant. On other transcripts: non-coding transcript variant (1).
Genome position (GRCh38, 1-based): chrX:78,038,842, T>C. VCF-style: chrX-78038842-T-C. GRCh37 (hg19) VCF-style: chrX-77294340-T-C.
Other names: c.3518T>C (NM_000052.4); c.3284T>C, p.Leu1095Pro (NM_001282224.2); short protein forms L1173P, L1095P.
Identifiers: ClinVar variation 2075849 (VCV002075849.3), dbSNP rs1267460544, ClinGen allele CA413604354.